The following is an entry in ClinVar:

ClinVar aggregate classification (germline): Uncertain significance. Review status: criteria provided, multiple submitters, no conflicts (2 of 4 stars). 2 submissions from 2 submitters: Uncertain significance (2). Last evaluated 2024-11-06.

Conditions:
Hereditary cancer-predisposing syndrome. Also called: Neoplastic Syndromes, Hereditary; Tumor predisposition; Hereditary neoplastic syndrome; Hereditary Cancer Syndrome. Identifiers: Orphanet 140162, MedGen C0027672, MeSH D009386, MONDO:0015356.
Von Hippel-Lindau syndrome (VHLS). Also called: Von Hippel-Lindau; von Hippel–Lindau syndrome; VHL syndrome. Identifiers: Orphanet 892, MedGen C0019562, MONDO:0008667, OMIM 193300. Disease mechanism: loss of function.
Chuvash polycythemia. Also called: POLYCYTHEMIA, VHL-DEPENDENT. Identifiers: Orphanet 238557, MedGen C1837915, MONDO:0009892, OMIM 263400.

Submissions (2):

Ambry Genetics
Classification: Uncertain significance for Hereditary cancer-predisposing syndrome. Last evaluated: 2024-11-06. Review status: criteria provided, single submitter. Criteria: Ambry Variant Classification Scheme 2023. Collection method: clinical testing. Allele origin: germline.
Comment: The c.42_46delCGCGG variant, located in coding exon 1 of the VHL gene, results from a deletion of 5 nucleotides at nucleotide positions 42 to 46, causing a translational frameshift with a predicted alternate stop codon (p.A15Gfs*10). The predicted stop codon occurs in the 5&rsquo; end of theVHL gene. Premature stop codons are typically deleterious in nature; however, an alternate initiation codon exists downstream of this alteration, and is reported to result in a biologically active isoform, known as VHL19 (Schoenfeld A et al. Proc. Natl. Acad. Sci. U.S.A. 1998 Jul; 95(15):8817-22; Iliopoulos O et al. Proc. Natl. Acad. Sci. U.S.A. 1998 Sep; 95(20):11661-6). The exact functional effect of this alteration is unknown. Based on the available evidence, the clinical significance of this variant remains unclear.

Labcorp Genetics (formerly Invitae), Labcorp
Classification: Uncertain significance for Von Hippel-Lindau syndrome; Chuvash polycythemia. Last evaluated: 2023-05-05. Review status: criteria provided, single submitter. Criteria: Invitae Variant Classification Sherloc (09022015). Collection method: clinical testing. Allele origin: germline.
Comment: In summary, the available evidence is currently insufficient to determine the role of this variant in disease. Therefore, it has been classified as a Variant of Uncertain Significance. Several studies have shown that the VHL protein created from a downstream methionine located at codon 54 is biologically active, and exhibits properties similar to the full-length, wild-type protein (PMID: 9671762, 9751722). ClinVar contains an entry for this variant (Variation ID: 1493040). This variant has not been reported in the literature in individuals affected with VHL-related conditions. This variant is not present in population databases (gnomAD no frequency). This sequence change creates a premature translational stop signal (p.Ala15Glyfs*10) in the VHL gene. It is unclear whether it will result in an absent or disrupted protein product because an in-frame methionine located at codon 54 has the potential to rescue this variant.

Literature cited by the submitters: PubMed 9671762 (cited by Labcorp Genetics (formerly Invitae), Labcorp); PubMed 9751722 (cited by Labcorp Genetics (formerly Invitae), Labcorp).

NM_000551.4(VHL):c.42_46del (p.Ala15fs)

Gene: VHL (von Hippel-Lindau tumor suppressor; plus strand). Cytogenetic location: 3p25.3.
Variant type: Deletion.
Coding change: c.42_46del on transcript NM_000551.4 (MANE Select); coding-DNA positions 42 to 46, 5 bases deleted (CGCGG; older notation c.42_46delCGCGG).
Protein change: p.Ala15fs; shifts the reading frame from alanine 15.
Molecular consequence: frameshift variant.
Genome position (GRCh38, 1-based): chr3:10,141,889-10,141,893, CGCGG deleted; deleting any 5 consecutive bases within chr3:10,141,887-10,141,893 gives the same sequence; the c. name uses the placement nearest the transcript's 3' end. VCF-style (leftmost placement, unchanged base first): chr3-10141886-AGGCGC-A. GRCh37 (hg19) VCF-style: chr3-10183570-AGGCGC-A.
Other names: c.42_46delCGCGG (NM_000551.3); c.42_46del, p.Ala15fs (NM_001354723.2, NM_198156.3); short protein forms A15fs.
Identifiers: ClinVar variation 1493040 (VCV001493040.9), dbSNP rs1301210563, ClinGen allele CA896158074.